The following is an entry in ClinVar:

NM_001655.5(ARCN1):c.1142G>A (p.Trp381Ter)

Gene: ARCN1 (archain 1 coat protein complex I subunit delta; plus strand). Cytogenetic location: 11q23.3.
Variant type: single nucleotide variant.
Coding change: c.1142G>A on transcript NM_001655.5 (MANE Select); coding-DNA position 1142, G replaced by A.
Protein change: p.Trp381Ter; replaces tryptophan 381 with a stop codon.
Molecular consequence: nonsense. On other transcripts: non-coding transcript variant (2).
Genome position (GRCh38, 1-based): chr11:118,593,599, G>A. VCF-style: chr11-118593599-G-A. GRCh37 (hg19) VCF-style: chr11-118464314-G-A.
Other names: c.878G>A, p.Trp293Ter (NM_001142281.2, NM_001425081.1); c.1142G>A, p.Trp381Ter (NM_001425073.1, NM_001425078.1); c.1139G>A, p.Trp380Ter (NM_001425074.1, NM_001425079.1); c.1085G>A, p.Trp362Ter (NM_001425075.1); c.1073G>A, p.Trp358Ter (NM_001425076.1); c.977G>A, p.Trp326Ter (NM_001425077.1); c.698G>A, p.Trp233Ter (NM_001425080.1); short protein forms W233*, W293*, W326*, W358*, W362*, W380*, W381*.
Identifiers: ClinVar variation 4531795 (VCV004531795.1).

ClinVar aggregate classification (germline): Pathogenic (1 of 4 stars; one submission).

Conditions:
Short stature, rhizomelic, with microcephaly, micrognathia, and developmental delay (SSMG). Also called: SHORT STATURE-MICROGNATHIA SYNDROME. Identifiers: Orphanet 659702, MedGen C4310686, MONDO:0014948, OMIM 617164.

Submission:

Victorian Clinical Genetics Services, Murdoch Childrens Research Institute
Classification: Pathogenic for Short stature, rhizomelic, with microcephaly, micrognathia, and developmental delay. Last evaluated: 2025-07-28. Review status: criteria provided, single submitter. Criteria: ACMG Guidelines, 2015. Collection method: clinical testing. Allele origin: germline. Affected: yes.
Comment: This variant is classified as Pathogenic. Evidence in support of pathogenic classification: Variant is predicted to cause nonsense-mediated decay (NMD) and loss of protein (premature termination codon is located at least 54 nucleotides upstream of the final exon-exon junction); Variant is absent from gnomAD (v2, v3 and v4); Other NMD-predicted variants comparable to the one identified in this case have very strong previous evidence for pathogenicity (DECIPHER); Additional information: This variant is heterozygous; This gene is associated with autosomal dominant disease; Loss of function is a known mechanism of disease in this gene and is associated with short stature-micrognathia syndrome (MIM#617164).